The following is an entry in ClinVar:

NM_001330311.2(DVL1):c.711C>G (p.Phe237Leu)

Gene: DVL1 (dishevelled segment polarity protein 1; minus strand). Cytogenetic location: 1p36.33.
Variant type: single nucleotide variant.
Coding change: c.711C>G on transcript NM_001330311.2 (MANE Select); coding-DNA position 711, C replaced by G.
Protein change: p.Phe237Leu; replaces phenylalanine 237 with leucine.
Molecular consequence: missense variant.
Genome position (GRCh38, 1-based): chr1:1,340,305, G>C on the plus strand (C>G on the coding strand, the complement: DVL1 is on the minus strand). VCF-style: chr1-1340305-G-C. GRCh37 (hg19) VCF-style: chr1-1275685-G-C.
Other names: c.711C>G, p.Phe237Leu (NM_004421.3); c.711C>G (NM_004421.2); short protein forms F237L.
Identifiers: ClinVar variation 3021955 (VCV003021955.4), dbSNP rs745841103, ClinGen allele CA16757784.

ClinVar aggregate classification (germline): Uncertain significance. Review status: criteria provided, multiple submitters, no conflicts (2 of 4 stars). 2 submissions from 2 submitters: Uncertain significance (2). Last evaluated 2025-05-14.

Conditions:
Inborn genetic diseases. Identifiers: MedGen C0950123, MeSH D030342.

Allele frequency attached by ClinVar (database versions not stated): TOPMed 0.00001.
gnomAD v4.1: 6 of 1,614,008 alleles (0.00037%); highest among the groups gnomAD compares: Admixed American, 0.005%; no homozygotes.

Submissions (2):

Ambry Genetics
Classification: Uncertain significance for Inborn genetic diseases. Last evaluated: 2025-05-14. Review status: criteria provided, single submitter. Criteria: Ambry Variant Classification Scheme 2023. Collection method: clinical testing. Allele origin: germline.

Labcorp Genetics (formerly Invitae), Labcorp
Classification: Uncertain significance. Last evaluated: 2025-04-08. Review status: criteria provided, single submitter. Criteria: Invitae Variant Classification Sherloc (09022015). Collection method: clinical testing. Allele origin: germline.
Comment: This sequence change replaces phenylalanine, which is neutral and non-polar, with leucine, which is neutral and non-polar, at codon 237 of the DVL1 protein (p.Phe237Leu). This variant is present in population databases (rs745841103, gnomAD 0.006%). This variant has not been reported in the literature in individuals affected with DVL1-related conditions. ClinVar contains an entry for this variant (Variation ID: 3021955). Invitae Evidence Modeling of protein sequence and biophysical properties (such as structural, functional, and spatial information, amino acid conservation, physicochemical variation, residue mobility, and thermodynamic stability) indicates that this missense variant is not expected to disrupt DVL1 protein function with a negative predictive value of 80%. In summary, the available evidence is currently insufficient to determine the role of this variant in disease. Therefore, it has been classified as a Variant of Uncertain Significance.